The following is an entry in ClinVar:

NM_001330677.2(TBX15):c.383A>T (p.Asp128Val)

Gene: TBX15 (T-box transcription factor 15; minus strand). Cytogenetic location: 1p12.
Variant type: single nucleotide variant.
Coding change: c.383A>T on transcript NM_001330677.2 (MANE Select); coding-DNA position 383, A replaced by T.
Protein change: p.Asp128Val; replaces aspartic acid 128 with valine.
Molecular consequence: missense variant.
Genome position (GRCh38, 1-based): chr1:118,931,655, T>A on the plus strand (A>T on the coding strand, the complement: TBX15 is on the minus strand). VCF-style: chr1-118931655-T-A. GRCh37 (hg19) VCF-style: chr1-119474278-T-A.
Other names: c.65A>T, p.Asp22Val (NM_152380.3); short protein forms D22V, D128V.
Identifiers: ClinVar variation 2082138 (VCV002082138.4), dbSNP rs1655783998, ClinGen allele CA341435602.

ClinVar aggregate classification (germline): Uncertain significance (1 of 4 stars; one submission).

Allele frequency attached by ClinVar (database versions not stated): TOPMed below 0.00001.
gnomAD v4.1: 1 of 1,614,154 alleles (0.000062%); highest among the groups gnomAD compares: South Asian, 0.0011%; no homozygotes.

Submission:

Labcorp Genetics (formerly Invitae), Labcorp
Classification: Uncertain significance. Last evaluated: 2025-02-10. Review status: criteria provided, single submitter. Criteria: Invitae Variant Classification Sherloc (09022015). Collection method: clinical testing. Allele origin: germline.
Comment: This sequence change replaces aspartic acid, which is acidic and polar, with valine, which is neutral and non-polar, at codon 22 of the TBX15 protein (p.Asp22Val). This variant is not present in population databases (gnomAD no frequency). This variant has not been reported in the literature in individuals affected with TBX15-related conditions. ClinVar contains an entry for this variant (Variation ID: 2082138). Invitae Evidence Modeling of protein sequence and biophysical properties (such as structural, functional, and spatial information, amino acid conservation, physicochemical variation, residue mobility, and thermodynamic stability) indicates that this missense variant is expected to disrupt TBX15 protein function with a positive predictive value of 80%. In summary, the available evidence is currently insufficient to determine the role of this variant in disease. Therefore, it has been classified as a Variant of Uncertain Significance.